The following is an entry in ClinVar:

NM_172107.4(KCNQ2):c.1720_1726dup (p.Leu576fs)

Gene: KCNQ2 (potassium voltage-gated channel subfamily Q member 2; minus strand). Cytogenetic location: 20q13.33.
Variant type: Duplication.
Coding change: c.1720_1726dup on transcript NM_172107.4 (MANE Select); coding-DNA positions 1720 to 1726, 7 bases duplicated (GGCCACC; older notation c.1720_1726dupGGCCACC).
Protein change: p.Leu576fs; shifts the reading frame from leucine 576.
Molecular consequence: frameshift variant.
Genome position (GRCh38, 1-based): chr20:63,413,487-63,413,493, GGTGGCC duplicated on the plus strand (GGCCACC on the coding strand, the reverse complement: KCNQ2 is on the minus strand); duplicating any 7 consecutive bases within chr20:63,413,487-63,413,495 gives the same sequence; the c. name uses the placement nearest the transcript's 3' end. VCF-style (leftmost placement, unchanged base first): chr20-63413486-A-AGGTGGCC. GRCh37 (hg19) VCF-style: chr20-62044839-A-AGGTGGCC.
Other names: c.1666_1672dup, p.Leu558fs (NM_001382235.1, NM_172106.3); c.1636_1642dup, p.Leu548fs (NM_004518.6); c.1627_1633dup, p.Leu545fs (NM_172108.5); short protein forms L545fs, L576fs, L548fs, L558fs.
Identifiers: ClinVar variation 2718782 (VCV002718782.3), dbSNP rs2516167273, ClinGen allele CA2697547454.
Genomic context (GRCh38, chr20:63,413,486, plus strand): 5'-TGGACAGGCAGGCGGGGCTCTTGCCTGGACTGCAGGCTCTTAATTCGGGACAGCATGTCC[A>AGGTGGCC]GGTGGCCGGCTGAGTACTGCTCGATGACGTCCATCACGTCGTAGGGCCGCAGGCTCTCCT-3'

ClinVar aggregate classification (germline): Pathogenic (1 of 4 stars; one submission).

Conditions:
Early-infantile DEE. Also called: Early infantile epileptic encephalopathy; Early infantile epileptic encephalopathy with suppression bursts; Ohtahara syndrome. Identifiers: Orphanet 1934, MedGen C0393706, MONDO:0800491.

Submission:

Labcorp Genetics (formerly Invitae), Labcorp
Classification: Pathogenic for Early-infantile DEE. Last evaluated: 2023-06-18. Review status: criteria provided, single submitter. Criteria: Invitae Variant Classification Sherloc (09022015). Collection method: clinical testing. Allele origin: germline.
Comment: This variant has not been reported in the literature in individuals affected with KCNQ2-related conditions. For these reasons, this variant has been classified as Pathogenic. This variant is not present in population databases (gnomAD no frequency). This sequence change creates a premature translational stop signal (p.Leu576Argfs*10) in the KCNQ2 gene. It is expected to result in an absent or disrupted protein product. Loss-of-function variants in KCNQ2 are known to be pathogenic (PMID: 14534157, 23692823, 27779742).

Literature cited by the submitters: PubMed 14534157; PubMed 23692823; PubMed 27779742.